The following is an entry in ClinVar:

ClinVar aggregate classification (germline): Uncertain significance (1 of 4 stars; one submission).

Submission:

GeneDx
Classification: Uncertain significance. Last evaluated: 2021-06-09. Review status: criteria provided, single submitter. Criteria: GeneDx Variant Classification Process June 2021. Collection method: clinical testing. Allele origin: germline. Affected: yes.
Comment: Has not been previously published as pathogenic or benign to our knowledge; Not observed in large population cohorts (Lek et al., 2016); In silico analysis, which includes protein predictors and evolutionary conservation, supports that this variant does not alter protein structure/function

NM_207346.3(TSEN54):c.636G>T (p.Lys212Asn)

Gene: TSEN54 (tRNA splicing endonuclease subunit 54; plus strand). Cytogenetic location: 17q25.1.
Variant type: single nucleotide variant.
Coding change: c.636G>T on transcript NM_207346.3 (MANE Select); coding-DNA position 636, G replaced by T.
Protein change: p.Lys212Asn; replaces lysine 212 with asparagine.
Molecular consequence: missense variant.
Genome position (GRCh38, 1-based): chr17:75,521,717, G>T. VCF-style: chr17-75521717-G-T. GRCh37 (hg19) VCF-style: chr17-73517798-G-T.
Other names: short protein forms K212N.
Identifiers: ClinVar variation 1215355 (VCV001215355.3), dbSNP rs2147012981, ClinGen allele CA401028458.